The following is an entry in ClinVar:

NM_001159699.2(FHL1):c.421G>T (p.Asp141Tyr)

Gene: FHL1 (four and a half LIM domains 1; plus strand). Cytogenetic location: Xq26.3.
Variant type: single nucleotide variant.
Coding change: c.421G>T on transcript NM_001159699.2 (MANE Select); coding-DNA position 421, G replaced by T.
Protein change: p.Asp141Tyr; replaces aspartic acid 141 with tyrosine.
Molecular consequence: missense variant. On other transcripts: non-coding transcript variant (1).
Genome position (GRCh38, 1-based): chrX:136,207,833, G>T. VCF-style: chrX-136207833-G-T. GRCh37 (hg19) VCF-style: chrX-135289992-G-T.
Other names: c.373G>T, p.Asp125Tyr (NM_001159700.2, NM_001159702.3, NM_001159703.2 and 9 more transcripts); c.460G>T, p.Asp154Tyr (NM_001159701.2); c.421G>T, p.Asp141Tyr (NM_001330659.2); short protein forms D125Y, D141Y, D154Y.
Identifiers: ClinVar variation 1219039 (VCV001219039.3), dbSNP rs2148375768, ClinGen allele CA414608375.
Genomic context (GRCh38, chrX:136,207,833, plus strand): 5'-CAATTGCTTCCCTCTGCAGGAGATCAAAACGTGGAGTACAAGGGGACCGTCTGGCACAAA[G>T]ACTGCTTCACCTGTAGTAACTGCAAGCAAGTCATCGGGACTGGAAGCTTCTTCCCTAAAG-3'
Protein context (NP_001153171.1, residues 131-151): VEYKGTVWHK[Asp141Tyr]CFTCSNCKQV

ClinVar aggregate classification (germline): Uncertain significance (1 of 4 stars; one submission).

gnomAD v4.1: 3 of 1,212,158 alleles (0.00025%); highest among the groups gnomAD compares: Non-Finnish European, 0.00011%; no homozygotes.

Submission:

GeneDx
Classification: Uncertain significance. Last evaluated: 2020-02-21. Review status: criteria provided, single submitter. Criteria: GeneDx Variant Classification Process June 2021. Collection method: clinical testing. Allele origin: germline. Affected: yes.
Comment: Has not been previously published as pathogenic or benign to our knowledge; Not observed in large population cohorts (Lek et al., 2016); In silico analysis supports that this missense variant has a deleterious effect on protein structure/function